The following is an entry in ClinVar:

ClinVar aggregate classification (germline): Uncertain significance (0 of 4 stars; one submission).

Conditions:
Prostate cancer. Also called: Malignant tumor of prostate. Identifiers: Orphanet 1331, MedGen C0376358, MONDO:0008315, HP:0012125.

Allele frequency attached by ClinVar (database versions not stated): gnomAD exomes 0.00004 and 0.00005; gnomAD 0.00006 and 0.00005; TOPMed 0.00006; ExAC 0.00004; ESP Exome Variant Server 0.00008.
gnomAD v4.1: 73 of 1,611,902 alleles (0.0045%); highest among the groups gnomAD compares: Non-Finnish European, 0.0052%; no homozygotes.

Submission:

Science for Life laboratory,  Karolinska Institutet
Classification: Uncertain significance for Malignant tumor of prostate. Review status: no assertion criteria provided. Collection method: not provided. Allele origin: somatic.
Comment: TumorID:SWE-10
ClinVar note: Converted during submission from Unknown to Uncertain significance.

NM_001040105.2(MUC17):c.8950G>A (p.Glu2984Lys)

Gene: MUC17 (mucin 17, cell surface associated; plus strand). Cytogenetic location: 7q22.1.
Variant type: single nucleotide variant.
Coding change: c.8950G>A on transcript NM_001040105.2 (MANE Select); coding-DNA position 8950, G replaced by A.
Protein change: p.Glu2984Lys; replaces glutamic acid 2984 with lysine.
Molecular consequence: missense variant. On other transcripts: non-coding transcript variant (1).
Genome position (GRCh38, 1-based): chr7:101,040,366, G>A. VCF-style: chr7-101040366-G-A. GRCh37 (hg19) VCF-style: chr7-100683647-G-A.
Other names: short protein forms E2984K.
Identifiers: ClinVar variation 161504 (VCV000161504.2), dbSNP rs193920784, ClinGen allele CA174157.
Genomic context (GRCh38, chr7:101,040,366, plus strand): 5'-GAAGCTAGTTCTTCTCCTACAACTGCTGAAGGTACCAGCATGCCAATCTCAACTCCTGGC[G>A]AAAGAAGAACTCCATTAACAAGTATGTCTGTCAGCACCATGCCGGTGGCCAGTTCTGAGG-3'
Protein context (NP_001035194.1, residues 2974-2994): GTSMPISTPG[Glu2984Lys]RRTPLTSMSV